The following is an entry in ClinVar:

NM_005732.4(RAD50):c.3813_3815del (p.Glu1271del)

Genes: TH2LCRR (T helper type 2 locus control region associated RNA; minus strand), RAD50 (RAD50 double strand break repair protein; plus strand). Cytogenetic location: 5q31.1.
Variant type: Deletion.
Coding change: c.3813_3815del on transcript NM_005732.4 (MANE Select); coding-DNA positions 3813 to 3815, 3 bases deleted (AGA; older notation c.3813_3815delAGA).
Protein change: p.Glu1271del; deletes glutamic acid 1271.
Molecular consequence: inframe deletion. On other transcripts: non-coding transcript variant (1).
Genome position (GRCh38, 1-based): chr5:132,642,238-132,642,240, AGA deleted; deleting any 3 consecutive bases within chr5:132,642,236-132,642,240 gives the same sequence; the c. name uses the placement nearest the transcript's 3' end. VCF-style (leftmost placement, unchanged base first): chr5-132642235-TGAA-T. GRCh37 (hg19) VCF-style: chr5-131977927-TGAA-T.
Other names: c.3813_3815del (NM_005732.3); short protein forms E1271del.
Identifiers: ClinVar variation 482096 (VCV000482096.16), dbSNP rs776601293, ClinGen allele CA3405683.

ClinVar aggregate classification (germline): Uncertain significance. Review status: criteria provided, multiple submitters, no conflicts (2 of 4 stars). 4 submissions from 4 submitters: Uncertain significance (4). Last evaluated 2023-11-13.

Conditions:
Hereditary breast ovarian cancer syndrome. Also called: Hereditary breast and ovarian cancer syndrome; Hereditary breast and ovarian cancer; Hereditary breast and ovarian cancer syndrome (HBOC); Breast and ovarian cancer; Hereditary breast and/or ovarian cancer syndrome; BRCA1- and BRCA2-Associated Hereditary Breast and Ovarian Cancer. Identifiers: Orphanet 145, MedGen C0677776, MeSH D061325, MONDO:0003582. Disease mechanism: loss of function.
Hereditary cancer-predisposing syndrome. Also called: Neoplastic Syndromes, Hereditary; Tumor predisposition; Hereditary Cancer Syndrome; Hereditary neoplastic syndrome. Identifiers: Orphanet 140162, MedGen C0027672, MeSH D009386, MONDO:0015356.
Nijmegen breakage syndrome-like disorder (NBSLD). Also called: MICROCEPHALY AND SPONTANEOUS CHROMOSOME INSTABILITY WITHOUT IMMUNODEFICIENCY; NBS-LIKE DISORDER; RAD50 DEFICIENCY. Identifiers: Orphanet 240760, MedGen C2751318, MONDO:0013118, OMIM 613078.

Submissions (4):

Labcorp Genetics (formerly Invitae), Labcorp
Classification: Uncertain significance for Hereditary cancer-predisposing syndrome. Last evaluated: 2023-11-13. Review status: criteria provided, single submitter. Criteria: Invitae Variant Classification Sherloc (09022015). Collection method: clinical testing. Allele origin: germline.
Comment: This variant, c.3813_3815del, results in the deletion of 1 amino acid(s) of the RAD50 protein (p.Glu1271del), but otherwise preserves the integrity of the reading frame. This variant is present in population databases (rs776601293, gnomAD 0.02%). This variant has been observed in individual(s) with pancreatic cancer (PMID: 27732944, 27783279). ClinVar contains an entry for this variant (Variation ID: 482096). Experimental studies and prediction algorithms are not available or were not evaluated, and the functional significance of this variant is currently unknown. Algorithms developed to predict the effect of sequence changes on RNA splicing suggest that this variant may disrupt the consensus splice site. In summary, the available evidence is currently insufficient to determine the role of this variant in disease. Therefore, it has been classified as a Variant of Uncertain Significance.

Ambry Genetics
Classification: Uncertain significance for Hereditary cancer-predisposing syndrome. Last evaluated: 2023-03-13. Review status: criteria provided, single submitter. Criteria: Ambry Variant Classification Scheme 2023. Collection method: clinical testing. Allele origin: germline.
Comment: The c.3813_3815delAGA variant (also known as p.E1271del) is located in coding exon 25 of the RAD50 gene. This variant results from an in-frame AGA deletion at nucleotide positions 3813 to 3815. This results in the in-frame deletion of a glutamic acid at codon 1271. This amino acid position is highly conserved in available vertebrate species. Since supporting evidence is limited at this time, the clinical significance of this alteration remains unclear.

Baylor Genetics
Classification: Uncertain significance for Nijmegen breakage syndrome-like disorder. Last evaluated: 2022-03-27. Review status: criteria provided, single submitter. Criteria: ACMG Guidelines, 2015. Collection method: clinical testing. Allele origin: unknown.

Cancer Genomics Group, Japanese Foundation For Cancer Research
Classification: Uncertain significance for Hereditary breast and ovarian cancer syndrome. Last evaluated: 2019-05-01. Review status: criteria provided, single submitter. Criteria: ACMG Guidelines, 2015. Collection method: research. Allele origin: germline. Affected: yes.

Literature cited by the submitters: PubMed 27732944 (cited by Labcorp Genetics (formerly Invitae), Labcorp and Ambry Genetics); PubMed 27783279 (cited by Labcorp Genetics (formerly Invitae), Labcorp and Ambry Genetics).